The following is an entry in ClinVar:

ClinVar aggregate classification (germline): Uncertain significance (1 of 4 stars; one submission).

Submission:

Clinical Genomics Laboratory, Laboratory for Precision Diagnostics, University of Washington
Classification: Uncertain significance. Last evaluated: 2023-08-04. Review status: criteria provided, single submitter. Criteria: ACMG/ClinGen CNV Guidelines, 2019. Collection method: clinical testing. Allele origin: unknown. Affected: yes. Observed: 1 variant allele, 1 mosaic individual.
Comment: This mosaic duplication is approximately 544 kb in size and encompasses four protein-coding genes, including SHOX (OMIM 312865). It is located within the pseudoautosomal region of the X and Y chromosomes, so the duplication may be present on either the X or the Y. This duplication includes four protein-coding genes but doesn't overlap any confirmed known triplosensitive genes or regions. DECIPHER 275919 is a person with mild intellectual disability and interphalangeal joint contraction of the finger, who inherited a similar duplication from a normal parent. Duplications of variable size and breakpoints that overlap this region are reported in ClinVar. Duplications that contain SHOX appear in gnomAD, a database of healthy control people, at a frequency of 0.16%. SHOX encodes a nuclear homeodomain transcription factor involved in cell-cycle and growth regulation. SHOX is subject to complex regulation during development. Seven evolutionarily conserved non-coding elements (CNE) of SHOX transcription have been identified 250 kb upstream (CNE-5, CNE-3, CNE-2) and 200 kb downstream (CNE4, CNE5, ECR1/CNE7, ECS4/CNE9) of the gene coding sequence (see Figure 2, PMID: 27355317). Heterozygous loss-of-function mutations in SHOX itself and/or its enhancer elements are associated with Leri-Weill dyschondrosteosis and idiopathic short stature and homozygous loss-of-function mutations are associated with the more severe Langer mesomelic dysplasia. Whole gene SHOX duplications are generally associated with normal or tall stature, but microduplications of SHOX and/or its enhancer elements have also been found in individuals with short stature (PMID: 21147883, PMID: 26040210, and PMID: 36927524). This phenotypic variability could be due to variation in the size of the duplications and whether or not the upstream and downstream enhancers are included.

Literature cited by the submitters: PubMed 21147883; PubMed 36927524; PubMed 26040210; PubMed 27355317; PubMed 19938087; PubMed 26984564; PubMed 19533800.

GRCh38/hg38 Xp22.33(chrX:253138-797216)x3

Genes: CNE-2 (CNE-2 enhancer upstream of SHOX; plus strand), CNE-3 (CNE-3 enhancer upstream of SHOX; plus strand), CNE-5 (CNE-5 enhancer upstream of SHOX; plus strand), CNE4 (CNE4 enhancer downstream of SHOX; plus strand), CNE5 (CNE5 enhancer downstream of SHOX; plus strand) and 6 more. Cytogenetic location: Xp22.33.
Variant type: copy number gain.
Change: copy number 3 of chrX:253,138-797,216 (544.1 kb, GRCh38 coordinates, 1-based), cytogenetic band Xp22.33.
Identifiers: ClinVar variation 4890997 (VCV004890997.1).